The following is an entry in ClinVar:

ClinVar aggregate classification (germline): Uncertain significance. Review status: criteria provided, multiple submitters, no conflicts (2 of 4 stars). 2 submissions from 2 submitters: Uncertain significance (2). Last evaluated 2023-02-16.

Conditions:
Generalized epilepsy with febrile seizures plus, type 9 (GEFSP9). Also called: GEFS+, TYPE 9. Identifiers: Orphanet 36387, MedGen C4015395, MONDO:0014517, OMIM 616172.

Allele frequency attached by ClinVar (database versions not stated): gnomAD exomes below 0.00001.
gnomAD v4.1: 3 of 1,613,918 alleles (0.00019%); highest among the groups gnomAD compares: East Asian, 0.0022%; no homozygotes.

Submissions (2):

Centre of Medical Genetics, University Hospital Muenster
Classification: Uncertain significance. Last evaluated: 2023-02-16. Review status: criteria provided, single submitter. Criteria: ACMG Guidelines, 2015. Collection method: clinical testing. Allele origin: unknown. Affected: yes. Observed: 1 variant allele, 1 heterozygote.
Comment: ACMG categories: PM1,PM2,BP4

Labcorp Genetics (formerly Invitae), Labcorp
Classification: Uncertain significance for Generalized epilepsy with febrile seizures plus, type 9. Last evaluated: 2022-03-19. Review status: criteria provided, single submitter. Criteria: Invitae Variant Classification Sherloc (09022015). Collection method: clinical testing. Allele origin: germline.
Comment: This variant has not been reported in the literature in individuals affected with STX1B-related conditions. ClinVar contains an entry for this variant (Variation ID: 834995). Algorithms developed to predict the effect of missense changes on protein structure and function are either unavailable or do not agree on the potential impact of this missense change (SIFT: "Deleterious"; PolyPhen-2: "Probably Damaging"; Align-GVGD: "Class C15"). In summary, the available evidence is currently insufficient to determine the role of this variant in disease. Therefore, it has been classified as a Variant of Uncertain Significance. This variant is not present in population databases (gnomAD no frequency). This sequence change replaces threonine, which is neutral and polar, with methionine, which is neutral and non-polar, at codon 196 of the STX1B protein (p.Thr196Met).

NM_052874.5(STX1B):c.587C>T (p.Thr196Met)

Gene: STX1B (syntaxin 1B; minus strand). Cytogenetic location: 16p11.2.
Variant type: single nucleotide variant.
Coding change: c.587C>T on transcript NM_052874.5 (MANE Select); coding-DNA position 587, C replaced by T.
Protein change: p.Thr196Met; replaces threonine 196 with methionine.
Molecular consequence: missense variant.
Genome position (GRCh38, 1-based): chr16:30,993,435, G>A on the plus strand (C>T on the coding strand, the complement: STX1B is on the minus strand). VCF-style: chr16-30993435-G-A. GRCh37 (hg19) VCF-style: chr16-31004756-G-A.
Other names: short protein forms T196M.
Identifiers: ClinVar variation 834995 (VCV000834995.11), dbSNP rs2056574109, ClinGen allele CA395647401.
Genomic context (GRCh38, chr16:30,993,435, plus strand): 5'-ACAAACATATCGTGCAGCTCGCGGATGCTGGTCTCCAGCTTGATGATCTCATTGTGCCTC[G>A]TCTCAATCTCATTCAGCGCCTGCTTCGTCATCTGTGAGTCCATTTTGATCTAGGGTGACG-3'
Protein context (NP_443106.1, residues 186-206): MTKQALNEIE[Thr196Met]RHNEIIKLET